The following is an entry in ClinVar:

ClinVar aggregate classification (germline): Likely benign. Review status: criteria provided, multiple submitters, no conflicts (2 of 4 stars). 5 submissions from 5 submitters: Likely benign (5). Last evaluated 2026-01-21.

Conditions:
OPA1-related disorder. Also called: OPA1-related disorders; OPA1-related condition.
Inborn genetic diseases. Identifiers: MedGen C0950123, MeSH D030342.

Allele frequency attached by ClinVar (database versions not stated): gnomAD exomes 0.00002 and 0.00004; TOPMed 0.00003; ExAC 0.00005; gnomAD 0.00005 and 0.00006; 1000 Genomes Project 30x 0.00016; 1000 Genomes Project 0.00020.
gnomAD v4.1: 44 of 1,526,388 alleles (0.0029%); highest among the groups gnomAD compares: African/African-American, 0.019%; no homozygotes.

Submissions (5):

Labcorp Genetics (formerly Invitae), Labcorp
Classification: Likely benign. Last evaluated: 2026-01-21. Review status: criteria provided, single submitter. Criteria: Invitae Variant Classification Sherloc (09022015). Collection method: clinical testing. Allele origin: germline.

PreventionGenetics, part of Exact Sciences
Classification: Likely benign for OPA1-related condition. Last evaluated: 2025-04-11. Review status: criteria provided, single submitter. Criteria: ACMG Guidelines, 2015. Collection method: clinical testing. Allele origin: germline.
Comment: This variant is classified as likely benign based on ACMG/AMP sequence variant interpretation guidelines (Richards et al. 2015 PMID: 25741868, with internal and published modifications).

Blueprint Genetics
Classification: Likely benign. Last evaluated: 2022-11-01. Review status: criteria provided, single submitter. Criteria: ACMG Guidelines, 2015. Collection method: clinical testing. Allele origin: germline.

Ambry Genetics
Classification: Likely benign for Inborn genetic diseases. Last evaluated: 2022-02-04. Review status: criteria provided, single submitter. Criteria: Ambry Variant Classification Scheme 2023. Collection method: clinical testing. Allele origin: germline.

GeneDx
Classification: Likely benign. Last evaluated: 2016-07-20. Review status: criteria provided, single submitter. Criteria: GeneDx Variant Classification (06012015). Collection method: clinical testing. Allele origin: germline. Affected: yes.
Comment: This variant is considered likely benign or benign based on one or more of the following criteria: it is a conservative change, it occurs at a poorly conserved position in the protein, it is predicted to be benign by multiple in silico algorithms, and/or has population frequency not consistent with disease.

NM_130837.3(OPA1):c.844-4G>A

Gene: OPA1 (OPA1 mitochondrial dynamin like GTPase; plus strand). Cytogenetic location: 3q29.
Variant type: single nucleotide variant.
Coding change: c.844-4G>A on transcript NM_130837.3 (MANE Select); 4 bases into the intron before coding-DNA position 844, G replaced by A.
Molecular consequence: intron variant.
Genome position (GRCh38, 1-based): chr3:193,635,414, G>A. VCF-style: chr3-193635414-G-A. GRCh37 (hg19) VCF-style: chr3-193353203-G-A.
Other names: c.307-4G>A (NM_001354664.2); c.310-4G>A (NM_001354663.2); c.733-4G>A (NM_130834.3); c.790-4G>A (NM_130836.3); c.679-4G>A (NM_015560.3); c.736-4G>A (NM_130835.3); c.625-4G>A (NM_130832.3); c.682-4G>A (NM_130833.3); and 2 more.
Identifiers: ClinVar variation 387062 (VCV000387062.9), dbSNP rs377043223, ClinGen allele CA2759197.